The following is an entry in ClinVar:

NM_001370259.2(MEN1):c.912+1G>C

Gene: MEN1 (menin 1; minus strand). Cytogenetic location: 11q13.1.
Variant type: single nucleotide variant.
Coding change: c.912+1G>C on transcript NM_001370259.2 (MANE Select); the canonical splice donor site of the intron after coding-DNA position 912, G replaced by C.
Molecular consequence: splice donor variant.
Genome position (GRCh38, 1-based): chr11:64,807,010, C>G on the plus strand (G>C on the coding strand, the complement: MEN1 is on the minus strand). VCF-style: chr11-64807010-C-G. GRCh37 (hg19) VCF-style: chr11-64574482-C-G.
Other names: c.927+1G>C (NM_001407150.1, NM_130804.3, NM_130803.3 and 5 more transcripts); c.807+1G>C (NM_001407148.1, NM_001407149.1, NM_001407151.1 and 2 more transcripts); c.912+1G>C (NM_130799.3, NM_001407144.1, NM_001370260.2 and 7 more transcripts).
Identifiers: ClinVar variation 428012 (VCV000428012.11), dbSNP rs398124437, ClinGen allele CA381183474.

ClinVar aggregate classification (germline): Pathogenic. Review status: criteria provided, multiple submitters, no conflicts (2 of 4 stars). 2 submissions from 2 submitters: Pathogenic (2). Last evaluated 2022-11-15.

Conditions:
Hereditary cancer-predisposing syndrome. Also called: Hereditary neoplastic syndrome; Tumor predisposition; Neoplastic Syndromes, Hereditary; Hereditary Cancer Syndrome. Identifiers: Orphanet 140162, MedGen C0027672, MeSH D009386, MONDO:0015356.
Multiple endocrine neoplasia, type 1 (MEN1). Also called: MEN I; Endocrine adenomatosis multiple; MEN 1; WERMER SYNDROME; MEA I. Identifiers: Orphanet 652, MedGen C0025267, MeSH D018761, MONDO:0007540, OMIM 131100.

Submissions (2):

Labcorp Genetics (formerly Invitae), Labcorp
Classification: Pathogenic for Multiple endocrine neoplasia, type 1. Last evaluated: 2022-11-15. Review status: criteria provided, single submitter. Criteria: Invitae Variant Classification Sherloc (09022015). Collection method: clinical testing. Allele origin: germline.
Comment: For these reasons, this variant has been classified as Pathogenic. Algorithms developed to predict the effect of sequence changes on RNA splicing suggest that this variant may disrupt the consensus splice site. ClinVar contains an entry for this variant (Variation ID: 428012). This variant is also known as IVS6+1G>C. Disruption of this splice site has been observed in individuals with clinical features of multiple endocrine neoplasia type 1 (PMID: 10090472, 15714081, 18753104). This variant is not present in population databases (gnomAD no frequency). This sequence change affects a donor splice site in intron 6 of the MEN1 gene. It is expected to disrupt RNA splicing. Variants that disrupt the donor or acceptor splice site typically lead to a loss of protein function (PMID: 16199547), and loss-of-function variants in MEN1 are known to be pathogenic (PMID: 12112656, 17853334).

Ambry Genetics
Classification: Pathogenic for Hereditary cancer-predisposing syndrome. Last evaluated: 2013-02-26. Review status: criteria provided, single submitter. Criteria: Ambry Autosomal Dominant and X-Linked criteria (10/2015). Collection method: clinical testing. Allele origin: germline. Observed: 1 variant allele.
Comment: In addition to the clinical data presented in the literature, alterations that disrupt the canonical splice site are expected to cause aberrant splicing, resulting in an abnormal protein or a transcript that is subject to nonsense-mediated mRNA decay. As such, this alteration is classified as a disease-causing mutation.

Literature cited by the submitters: PubMed 10090472 (cited by Labcorp Genetics (formerly Invitae), Labcorp); PubMed 15714081 (cited by Labcorp Genetics (formerly Invitae), Labcorp); PubMed 18753104 (cited by Labcorp Genetics (formerly Invitae), Labcorp); PubMed 16199547 (cited by Labcorp Genetics (formerly Invitae), Labcorp); PubMed 12112656 (cited by Labcorp Genetics (formerly Invitae), Labcorp); PubMed 17853334 (cited by Labcorp Genetics (formerly Invitae), Labcorp).